The following is an entry in ClinVar:

NM_006944.3(SPP2):c.477A>C (p.Lys159Asn)

Gene: SPP2 (secreted phosphoprotein 2; plus strand). Cytogenetic location: 2q37.1.
Variant type: single nucleotide variant.
Coding change: c.477A>C on transcript NM_006944.3 (MANE Select); coding-DNA position 477, A replaced by C.
Protein change: p.Lys159Asn; replaces lysine 159 with asparagine.
Molecular consequence: missense variant.
Genome position (GRCh38, 1-based): chr2:234,066,565, A>C. VCF-style: chr2-234066565-A-C. GRCh37 (hg19) VCF-style: chr2-234975209-A-C.
Other names: short protein forms K159N.
Identifiers: ClinVar variation 2121327 (VCV002121327.4), dbSNP rs2470262753, ClinGen allele CA351104817.

ClinVar aggregate classification (germline): Uncertain significance (1 of 4 stars; one submission).

Submission:

Labcorp Genetics (formerly Invitae), Labcorp
Classification: Uncertain significance. Last evaluated: 2022-04-04. Review status: criteria provided, single submitter. Criteria: Invitae Variant Classification Sherloc (09022015). Collection method: clinical testing. Allele origin: germline.
Comment: This sequence change replaces lysine, which is basic and polar, with asparagine, which is neutral and polar, at codon 159 of the SPP2 protein (p.Lys159Asn). This variant is not present in population databases (gnomAD no frequency). This variant has not been reported in the literature in individuals affected with SPP2-related conditions. Algorithms developed to predict the effect of missense changes on protein structure and function output the following: SIFT: "Tolerated"; PolyPhen-2: "Benign"; Align-GVGD: "Class C0". The asparagine amino acid residue is found in multiple mammalian species, which suggests that this missense change does not adversely affect protein function. In summary, the available evidence is currently insufficient to determine the role of this variant in disease. Therefore, it has been classified as a Variant of Uncertain Significance.